The following is an entry in ClinVar:

NM_176787.5(PIGN):c.1076G>C (p.Ser359Thr)

Gene: PIGN (phosphatidylinositol glycan anchor biosynthesis class N; minus strand). Cytogenetic location: 18q21.33.
Variant type: single nucleotide variant.
Coding change: c.1076G>C on transcript NM_176787.5 (MANE Select); coding-DNA position 1076, G replaced by C.
Protein change: p.Ser359Thr; replaces serine 359 with threonine.
Molecular consequence: missense variant.
Genome position (GRCh38, 1-based): chr18:62,139,023, C>G on the plus strand (G>C on the coding strand, the complement: PIGN is on the minus strand). VCF-style: chr18-62139023-C-G. GRCh37 (hg19) VCF-style: chr18-59806256-C-G.
Other names: c.1076G>C, p.Ser359Thr (NM_012327.6); short protein forms S359T.
Identifiers: ClinVar variation 1461089 (VCV001461089.6), dbSNP rs781206226, ClinGen allele CA402607783.
Genomic context (GRCh38, chr18:62,139,023, plus strand): 5'-TTTTTGAATTTTTTTTTTACCTTGAACTGTTCAAGAATCTGTACTGCATTTGTAAACATG[C>G]TCTCTGCTTTGAAGAGATCAGTGTTGTTAAGATAATCCACAGGAAGGATTCCCTGAAAAT-3'
Protein context (NP_789744.1, residues 349-369): LNNTDLFKAE[Ser359Thr]MFTNAVQILE

ClinVar aggregate classification (germline): Uncertain significance (1 of 4 stars; one submission).

Conditions:
Multiple congenital anomalies-hypotonia-seizures syndrome 1 (MCAHS1). Also called: Congenital disorder of glycosylation due to PIGN deficiency; GLYCOSYLPHOSPHATIDYLINOSITOL BIOSYNTHESIS DEFECT 3; PIGN-CDG. Identifiers: Orphanet 280633, MedGen C3279775, MONDO:0013563, OMIM 614080.

Submission:

Labcorp Genetics (formerly Invitae), Labcorp
Classification: Uncertain significance for Multiple congenital anomalies-hypotonia-seizures syndrome 1. Last evaluated: 2021-01-01. Review status: criteria provided, single submitter. Criteria: Invitae Variant Classification Sherloc (09022015). Collection method: clinical testing. Allele origin: germline.
Comment: In summary, the available evidence is currently insufficient to determine the role of this variant in disease. Therefore, it has been classified as a Variant of Uncertain Significance. Algorithms developed to predict the effect of missense changes on protein structure and function are either unavailable or do not agree on the potential impact of this missense change (SIFT: "Not Available"; PolyPhen-2: "Benign"; Align-GVGD: "Not Available"). This variant has not been reported in the literature in individuals with PIGN-related conditions. This variant is not present in population databases (ExAC no frequency). This sequence change replaces serine with threonine at codon 359 of the PIGN protein (p.Ser359Thr). The serine residue is moderately conserved and there is a small physicochemical difference between serine and threonine.